The following is an entry in ClinVar:

NM_001318895.3(FHL2):c.154A>G (p.Lys52Glu)

Gene: FHL2 (four and a half LIM domains 2; minus strand). Cytogenetic location: 2q12.2.
Variant type: single nucleotide variant.
Coding change: c.154A>G on transcript NM_001318895.3 (MANE Select); coding-DNA position 154, A replaced by G.
Protein change: p.Lys52Glu; replaces lysine 52 with glutamic acid.
Molecular consequence: missense variant. On other transcripts: 5 prime UTR variant (3).
Genome position (GRCh38, 1-based): chr2:105,386,363, T>C on the plus strand (A>G on the coding strand, the complement: FHL2 is on the minus strand). VCF-style: chr2-105386363-T-C. GRCh37 (hg19) VCF-style: chr2-106002820-T-C.
Other names: c.154A>G, p.Lys52Glu (NM_001039492.3, NM_001318894.1, NM_001318896.2 and 4 more transcripts); c.-14A>G (NM_001318897.2, NM_001318898.2); c.-293A>G (NM_001318899.2); short protein forms K52E.
Identifiers: ClinVar variation 2831763 (VCV002831763.3), dbSNP rs752819256, ClinGen allele CA1814855.

ClinVar aggregate classification (germline): Uncertain significance (1 of 4 stars; one submission).

Conditions:
Primary dilated cardiomyopathy (DCM). Also called: Dilated Cardiomyopathy. Identifiers: Orphanet 217604, MedGen C0007193, MeSH D002311, MONDO:0005021, HP:0001644. Inheritance: Various modes of inheritance.

Allele frequency attached by ClinVar (database versions not stated): gnomAD exomes below 0.00001; TOPMed below 0.00001; ExAC 0.00001; gnomAD 0.00001.
gnomAD v4.1: 3 of 1,613,528 alleles (0.00019%); highest among the groups gnomAD compares: Non-Finnish European, 0.00025%; no homozygotes.

Submission:

Labcorp Genetics (formerly Invitae), Labcorp
Classification: Uncertain significance for Primary dilated cardiomyopathy. Last evaluated: 2023-12-04. Review status: criteria provided, single submitter. Criteria: Invitae Variant Classification Sherloc (09022015). Collection method: clinical testing. Allele origin: germline.
Comment: This sequence change replaces lysine, which is basic and polar, with glutamic acid, which is acidic and polar, at codon 52 of the FHL2 protein (p.Lys52Glu). This variant is present in population databases (rs752819256, gnomAD 0.0009%). This variant has not been reported in the literature in individuals affected with FHL2-related conditions. An algorithm developed to predict the effect of missense changes on protein structure and function (PolyPhen-2) suggests that this variant is likely to be disruptive. In summary, the available evidence is currently insufficient to determine the role of this variant in disease. Therefore, it has been classified as a Variant of Uncertain Significance.